The following is an entry in ClinVar:

NM_000052.7(ATP7A):c.2600C>G (p.Ser867Cys)

Gene: ATP7A (ATPase copper transporting alpha; plus strand). Cytogenetic location: Xq21.1.
Variant type: single nucleotide variant.
Coding change: c.2600C>G on transcript NM_000052.7 (MANE Select); coding-DNA position 2600, C replaced by G.
Protein change: p.Ser867Cys; replaces serine 867 with cysteine.
Molecular consequence: missense variant.
Genome position (GRCh38, 1-based): chrX:78,015,855, C>G. VCF-style: chrX-78015855-C-G. GRCh37 (hg19) VCF-style: chrX-77271352-C-G.
Other names: c.2366C>G, p.Ser789Cys (NM_001282224.2); short protein forms S867C, S789C.
Identifiers: ClinVar variation 4789447 (VCV004789447.1).

ClinVar aggregate classification (germline): Uncertain significance (1 of 4 stars; one submission).

Conditions:
Menkes kinky-hair syndrome (MNK). Also called: Menkes Disease; Copper transport disease; Classic Menkes Disease. Identifiers: Orphanet 565, MedGen C0022716, MONDO:0010651, OMIM 309400.
Cutis laxa, X-linked (OHS). Also called: EDS IX; Occipital horn syndrome. Identifiers: Orphanet 198, MedGen C0268353, MONDO:0010572, OMIM 304150.
X-linked distal spinal muscular atrophy type 3. Also called: ATP7A-Related Distal Motor Neuropathy; SPINAL MUSCULAR ATROPHY, DISTAL, X-LINKED RECESSIVE; NEURONOPATHY, DISTAL HEREDITARY MOTOR, X-LINKED; NEUROPATHY, DISTAL HEREDITARY MOTOR, X-LINKED. Identifiers: Orphanet 139557, MedGen C1845359, MONDO:0010338, OMIM 300489.

Submission:

Labcorp Genetics (formerly Invitae), Labcorp
Classification: Uncertain significance for X-linked distal spinal muscular atrophy type 3; Cutis laxa, X-linked; Menkes kinky-hair syndrome. Last evaluated: 2025-05-06. Review status: criteria provided, single submitter. Criteria: Invitae Variant Classification Sherloc (09022015). Collection method: clinical testing. Allele origin: germline.
Comment: This sequence change replaces serine, which is neutral and polar, with cysteine, which is neutral and slightly polar, at codon 867 of the ATP7A protein (p.Ser867Cys). This variant is not present in population databases (gnomAD no frequency). This variant has not been reported in the literature in individuals affected with ATP7A-related conditions. Invitae Evidence Modeling of protein sequence and biophysical properties (such as structural, functional, and spatial information, amino acid conservation, physicochemical variation, residue mobility, and thermodynamic stability) has been performed for this missense variant. However, the output from this modeling did not meet the statistical confidence thresholds required to predict the impact of this variant on ATP7A protein function. In summary, the available evidence is currently insufficient to determine the role of this variant in disease. Therefore, it has been classified as a Variant of Uncertain Significance.